The following is an entry in ClinVar:

NC_000010.10:g.(?_104375015)_(104392580_?)dup

Gene: SUFU (SUFU negative regulator of hedgehog signaling; plus strand). Cytogenetic location: 10q24.32.
Variant type: Duplication.
Identifiers: ClinVar variation 3244802 (VCV003244802.1).

ClinVar aggregate classification (germline): Uncertain significance (1 of 4 stars; one submission).

Conditions:
Gorlin syndrome. Also called: Basal cell nevus syndrome; Nevoid Basal Cell Carcinoma Syndrome. Identifiers: Orphanet 377, MedGen C0004779, MONDO:0007187.
Medulloblastoma (MDB). Also called: Medulloblastoma, somatic; MEDULLOBLASTOMA PREDISPOSITION SYNDROME. Identifiers: Orphanet 616, MedGen C0025149, MeSH D008527, MONDO:0007959, OMIM 155255, HP:0002885.

Submission:

Labcorp Genetics (formerly Invitae), Labcorp
Classification: Uncertain significance for Gorlin syndrome; Medulloblastoma. Last evaluated: 2023-04-16. Review status: criteria provided, single submitter. Criteria: Invitae Variant Classification Sherloc (09022015). Collection method: clinical testing. Allele origin: unknown.
Comment: In summary, the available evidence is currently insufficient to determine the role of this variant in disease. Therefore, it has been classified as a Variant of Uncertain Significance. Experimental studies and prediction algorithms are not available or were not evaluated, and the functional significance of this variant is currently unknown. This variant has not been reported in the literature in individuals affected with SUFU-related conditions. This variant results in a copy number gain of the genomic region encompassing exon(s) 9-12 of the SUFU gene. This region includes the termination codon of the gene. This copy number gain extends beyond the assayed region for this gene and therefore may encompass additional genes. As the precise location of this event is unknown, it may be in tandem or it may be located elsewhere in the genome.